The following is an entry in ClinVar:

NM_000052.7(ATP7A):c.870_871del (p.Ser293fs)

Gene: ATP7A (ATPase copper transporting alpha; plus strand). Cytogenetic location: Xq21.1.
Variant type: Deletion.
Coding change: c.870_871del on transcript NM_000052.7 (MANE Select); coding-DNA positions 870 to 871, 2 bases deleted (AT; older notation c.870_871delAT).
Protein change: p.Ser293fs; shifts the reading frame from serine 293.
Molecular consequence: frameshift variant.
Genome position (GRCh38, 1-based): chrX:77,989,492-77,989,493, AT deleted. VCF-style (leftmost placement, unchanged base first): chrX-77989491-CAT-C. GRCh37 (hg19) VCF-style: chrX-77244987-CAT-C.
Other names: c.870_871delAT (NM_000052.6); c.870_871del, p.Ser293fs (NM_001282224.2); short protein forms S293fs.
Identifiers: ClinVar variation 2943687 (VCV002943687.5), dbSNP rs2522293582, ClinGen allele CA2740092211.

ClinVar aggregate classification (germline): Pathogenic. Review status: criteria provided, single submitter (1 of 4 stars). 2 submissions from 2 submitters: Pathogenic (1). 1 of the submissions does not count toward it. Last evaluated 2024-01-14.

Conditions:
ATP7A-related disorder. Also called: ATP7A-related condition.
Menkes kinky-hair syndrome (MNK). Also called: Copper transport disease; Menkes Disease; Classic Menkes Disease. Identifiers: Orphanet 565, MedGen C0022716, MONDO:0010651, OMIM 309400.
Cutis laxa, X-linked (OHS). Also called: EDS IX; Occipital horn syndrome. Identifiers: Orphanet 198, MedGen C0268353, MONDO:0010572, OMIM 304150.
X-linked distal spinal muscular atrophy type 3. Also called: ATP7A-Related Distal Motor Neuropathy; SPINAL MUSCULAR ATROPHY, DISTAL, X-LINKED RECESSIVE; NEURONOPATHY, DISTAL HEREDITARY MOTOR, X-LINKED; NEUROPATHY, DISTAL HEREDITARY MOTOR, X-LINKED. Identifiers: Orphanet 139557, MedGen C1845359, MONDO:0010338, OMIM 300489.

Submissions (2):

Labcorp Genetics (formerly Invitae), Labcorp
Classification: Pathogenic for X-linked distal spinal muscular atrophy type 3; Cutis laxa, X-linked; Menkes kinky-hair syndrome. Last evaluated: 2024-01-14. Review status: criteria provided, single submitter. Criteria: Invitae Variant Classification Sherloc (09022015). Collection method: clinical testing. Allele origin: germline.
Comment: This sequence change creates a premature translational stop signal (p.Ser293Lysfs*3) in the ATP7A gene. It is expected to result in an absent or disrupted protein product. Loss-of-function variants in ATP7A are known to be pathogenic (PMID: 11241493, 20652413). This variant is not present in population databases (gnomAD no frequency). This variant has not been reported in the literature in individuals affected with ATP7A-related conditions. For these reasons, this variant has been classified as Pathogenic.

PreventionGenetics, part of Exact Sciences
Classification: Likely pathogenic for ATP7A-related condition. Last evaluated: 2024-01-02. Review status: no assertion criteria provided. Collection method: clinical testing. Allele origin: germline. Not counted in ClinVar's aggregate classification.
Comment: The ATP7A c.870_871delAT variant is predicted to result in a frameshift and premature protein termination (p.Ser293Lysfs*3). To our knowledge, this variant has not been reported in the literature or in a large population database, indicating this variant is rare. Frameshift variants in ATP7A are expected to be pathogenic. This variant is interpreted as likely pathogenic.

Literature cited by the submitters: PubMed 11241493 (cited by Labcorp Genetics (formerly Invitae), Labcorp); PubMed 20652413 (cited by Labcorp Genetics (formerly Invitae), Labcorp).